The following is an entry in ClinVar:

ClinVar aggregate classification (germline): Uncertain significance (1 of 4 stars; one submission).

gnomAD v4.1: 4 of 1,614,070 alleles (0.00025%); highest among the groups gnomAD compares: Non-Finnish European, 0.00034%; no homozygotes.

Submission:

GeneDx
Classification: Uncertain significance. Last evaluated: 2025-01-28. Review status: criteria provided, single submitter. Criteria: GeneDx Variant Classification Process June 2021. Collection method: clinical testing. Allele origin: germline. Affected: yes.
Comment: Not observed at significant frequency in large population cohorts (gnomAD); In silico analysis indicates that this missense variant does not alter protein structure/function; Has not been previously published as pathogenic or benign to our knowledge

NM_203446.3(SYNJ1):c.*516C>A

Gene: SYNJ1 (synaptojanin 1; minus strand). Cytogenetic location: 21q22.11.
Variant type: single nucleotide variant.
Coding change: c.*516C>A on transcript NM_203446.3 (MANE Select); 516 bases downstream of the stop codon, C replaced by A.
Molecular consequence: 3 prime UTR variant. On other transcripts: missense variant (2).
Genome position (GRCh38, 1-based): chr21:32,631,289, G>T on the plus strand (C>A on the coding strand, the complement: SYNJ1 is on the minus strand). VCF-style: chr21-32631289-G-T. GRCh37 (hg19) VCF-style: chr21-34003599-G-T.
Other names: c.*516C>A (NM_001160302.2); c.4287C>A, p.Ser1429Arg (NM_001160306.2); c.4545C>A, p.Ser1515Arg (NM_003895.4); short protein forms S1429R, S1515R.
Identifiers: ClinVar variation 4071772 (VCV004071772.1).